The following is an entry in ClinVar:

NM_005559.4(LAMA1):c.2986del (p.Thr996fs)

Gene: LAMA1 (laminin subunit alpha 1; minus strand). Cytogenetic location: 18p11.31.
Variant type: Deletion.
Coding change: c.2986del on transcript NM_005559.4 (MANE Select); coding-DNA position 2986, one base deleted (A; older notation c.2986delA).
Protein change: p.Thr996fs; shifts the reading frame from threonine 996.
Molecular consequence: frameshift variant.
Genome position (GRCh38, 1-based): chr18:7,016,494, T deleted on the plus strand (A on the coding strand, the reverse complement: LAMA1 is on the minus strand). VCF-style (leftmost placement, unchanged base first): chr18-7016493-GT-G. GRCh37 (hg19) VCF-style: chr18-7016492-GT-G.
Other names: short protein forms T996fs.
Identifiers: ClinVar variation 144109 (VCV000144109.3), dbSNP rs587777679, ClinGen allele CA170649.

ClinVar aggregate classification (germline): Pathogenic. Review status: criteria provided, single submitter (1 of 4 stars). 2 submissions from 2 submitters: Pathogenic (1). 1 of the submissions does not count toward it. Last evaluated 2025-05-14.

Conditions:
Ataxia - intellectual disability - oculomotor apraxia - cerebellar cysts syndrome. Also called: Poretti-Boltshauser syndrome. Identifiers: Orphanet 370022, MedGen C4014821, MONDO:0014419, OMIM 615960.

Allele frequency attached by ClinVar (database versions not stated): ExAC 0.00002; gnomAD 0.00003; gnomAD exomes 0.00001; TOPMed 0.00001.

Submissions (2):

Labcorp Genetics (formerly Invitae), Labcorp
Classification: Pathogenic. Last evaluated: 2025-05-14. Review status: criteria provided, single submitter. Criteria: Invitae Variant Classification Sherloc (09022015). Collection method: clinical testing. Allele origin: germline.
Comment: This sequence change creates a premature translational stop signal (p.Thr996Hisfs*28) in the LAMA1 gene. It is expected to result in an absent or disrupted protein product. Loss-of-function variants in LAMA1 are known to be pathogenic (PMID: 25105227, 26932191). This variant is present in population databases (rs587777679, gnomAD 0.004%). This premature translational stop signal has been observed in individual(s) with clinical features of Poretti-Boltshauser syndrome (PMID: 25105227). ClinVar contains an entry for this variant (Variation ID: 144109). For these reasons, this variant has been classified as Pathogenic.

OMIM
Classification: Pathogenic for PORETTI-BOLTSHAUSER SYNDROME. Last evaluated: 2014-08-07. Review status: no assertion criteria provided. Collection method: literature only. Allele origin: germline. Not counted in ClinVar's aggregate classification.

Literature cited by the submitters: PubMed 25105227 (cited by Labcorp Genetics (formerly Invitae), Labcorp and OMIM); PubMed 26932191 (cited by Labcorp Genetics (formerly Invitae), Labcorp).